The following is an entry in ClinVar:

ClinVar aggregate classification (germline): Uncertain significance (1 of 4 stars; one submission).

Conditions:
Imerslund-Grasbeck syndrome. Also called: PERNICIOUS ANEMIA, JUVENILE, DUE TO SELECTIVE INTESTINAL MALABSORPTION OF VITAMIN B12, WITH PROTEINURIA; Megaloblastic anemia due to inborn errors of metabolism; Imerslund-Gräsbeck syndrome; ENTEROCYTE COBALAMIN MALABSORPTION; ENTEROCYTE INTRINSIC FACTOR RECEPTOR, DEFECT OF. Identifiers: Orphanet 35858, MedGen C4551825, MONDO:0009853.

Submission:

Labcorp Genetics (formerly Invitae), Labcorp
Classification: Uncertain significance for Imerslund-Grasbeck syndrome. Last evaluated: 2024-10-29. Review status: criteria provided, single submitter. Criteria: Invitae Variant Classification Sherloc (09022015). Collection method: clinical testing. Allele origin: germline.
Comment: This sequence change replaces asparagine, which is neutral and polar, with aspartic acid, which is acidic and polar, at codon 105 of the CUBN protein (p.Asn105Asp). This variant is not present in population databases (gnomAD no frequency). This variant has not been reported in the literature in individuals affected with CUBN-related conditions. ClinVar contains an entry for this variant (Variation ID: 2106571). Invitae Evidence Modeling of protein sequence and biophysical properties (such as structural, functional, and spatial information, amino acid conservation, physicochemical variation, residue mobility, and thermodynamic stability) indicates that this missense variant is not expected to disrupt CUBN protein function with a negative predictive value of 80%. In summary, the available evidence is currently insufficient to determine the role of this variant in disease. Therefore, it has been classified as a Variant of Uncertain Significance.

NM_001081.4(CUBN):c.313A>G (p.Asn105Asp)

Gene: CUBN (cubilin; minus strand). Cytogenetic location: 10p13.
Variant type: single nucleotide variant.
Coding change: c.313A>G on transcript NM_001081.4 (MANE Select); coding-DNA position 313, A replaced by G.
Protein change: p.Asn105Asp; replaces asparagine 105 with aspartic acid.
Molecular consequence: missense variant.
Genome position (GRCh38, 1-based): chr10:17,127,864, T>C on the plus strand (A>G on the coding strand, the complement: CUBN is on the minus strand). VCF-style: chr10-17127864-T-C. GRCh37 (hg19) VCF-style: chr10-17169863-T-C.
Other names: short protein forms N105D.
Identifiers: ClinVar variation 2106571 (VCV002106571.4), dbSNP rs2492161163, ClinGen allele CA376169447.